The following is an entry in ClinVar:

ClinVar aggregate classification (germline): Uncertain significance (1 of 4 stars; one submission).

Allele frequency attached by ClinVar (database versions not stated): TOPMed 0.00002; ExAC 0.00003; gnomAD 0.00004.

Submissions (2):

Mayo Clinic Laboratories, Mayo Clinic
Classification: Uncertain significance. Last evaluated: 2022-11-17. Review status: criteria provided, single submitter. Criteria: ACMG Guidelines, 2015. Collection method: clinical testing. Allele origin: germline. Observed: 1 variant allele.
Comment: BP4, PM2

Dr. Peter K. Rogan Lab, Western University
No classification provided (evidence only). Condition: Sarcoma. Review status: no classification provided. Collection method: in vitro. Allele origin: not applicable. Functional consequence: skipped exon, retained intron. Not counted in ClinVar's aggregate classification.

NM_000097.7(CPOX):c.1172+5G>T

Gene: CPOX (coproporphyrinogen oxidase; minus strand). Cytogenetic location: 3q11.2.
Variant type: single nucleotide variant.
Coding change: c.1172+5G>T on transcript NM_000097.7 (MANE Select); 5 bases into the intron after coding-DNA position 1172, G replaced by T.
Molecular consequence: intron variant.
Genome position (GRCh38, 1-based): chr3:98,585,436, C>A on the plus strand (G>T on the coding strand, the complement: CPOX is on the minus strand). VCF-style: chr3-98585436-C-A. GRCh37 (hg19) VCF-style: chr3-98304280-C-A.
Other names: NC_000003.11:g.98304280C>A.
Identifiers: ClinVar variation 2682840 (VCV002682840.2), dbSNP rs747381138, ClinGen allele CA2511507.